The following is an entry in ClinVar:

NM_176787.5(PIGN):c.2411_2412delinsAG (p.Ile804Lys)

Gene: PIGN (phosphatidylinositol glycan anchor biosynthesis class N; minus strand). Cytogenetic location: 18q21.33.
Variant type: Indel.
Coding change: c.2411_2412delinsAG on transcript NM_176787.5 (MANE Select); coding-DNA positions 2411 to 2412, TA replaced by AG.
Protein change: p.Ile804Lys; replaces isoleucine 804 with lysine.
Molecular consequence: missense variant.
Genome position (GRCh38, 1-based): chr18:62,085,223-62,085,224, TA replaced by CT on the plus strand (TA replaced by AG on the coding strand, the reverse complement: PIGN is on the minus strand). VCF-style: chr18-62085223-TA-CT. GRCh37 (hg19) VCF-style: chr18-59752456-TA-CT.
Other names: c.2411_2412delinsAG, p.Ile804Lys (NM_012327.6); short protein forms I804K.
Identifiers: ClinVar variation 449081 (VCV000449081.26), dbSNP rs1555679237, ClinGen allele CA658658760.

ClinVar aggregate classification (germline): Conflicting classifications of pathogenicity. Review status: criteria provided, conflicting classifications (1 of 4 stars). 6 submissions from 6 submitters: Uncertain significance (5); Likely benign (1). Last evaluated 2026-02-03.

Conditions:
Multiple congenital anomalies-hypotonia-seizures syndrome 1 (MCAHS1). Also called: PIGN-CDG; Congenital disorder of glycosylation due to PIGN deficiency; GLYCOSYLPHOSPHATIDYLINOSITOL BIOSYNTHESIS DEFECT 3. Identifiers: Orphanet 280633, MedGen C3279775, MONDO:0013563, OMIM 614080.
Inborn genetic diseases. Identifiers: MedGen C0950123, MeSH D030342.

Submissions (6):

Labcorp Genetics (formerly Invitae), Labcorp
Classification: Likely benign for Multiple congenital anomalies-hypotonia-seizures syndrome 1. Last evaluated: 2026-02-03. Review status: criteria provided, single submitter. Criteria: Invitae Variant Classification Sherloc (09022015). Collection method: clinical testing. Allele origin: germline.

GeneDx
Classification: Uncertain significance. Last evaluated: 2025-05-21. Review status: criteria provided, single submitter. Criteria: GeneDx Variant Classification Process June 2021. Collection method: clinical testing. Allele origin: germline. Affected: yes.
Comment: In silico analysis supports a deleterious effect on protein structure/function; This variant is associated with the following publications: (PMID: 26394714)

ARUP Laboratories, Molecular Genetics and Genomics, ARUP Laboratories
Classification: Uncertain significance for Multiple congenital anomalies-hypotonia-seizures syndrome 1. Last evaluated: 2024-06-06. Review status: criteria provided, single submitter. Criteria: ARUP Molecular Germline Variant Investigation Process 2024. Collection method: clinical testing. Allele origin: germline.

Athena Diagnostics
Classification: Uncertain significance. Last evaluated: 2019-06-26. Review status: criteria provided, single submitter. Criteria: Athena Diagnostics Criteria. Collection method: clinical testing. Allele origin: germline.

Ambry Genetics
Classification: Uncertain significance for Inborn genetic diseases. Last evaluated: 2018-12-22. Review status: criteria provided, single submitter. Criteria: Ambry Variant Classification Scheme 2023. Collection method: clinical testing. Allele origin: germline.
Comment: The c.2411_2412delTAinsAG variant (also known as p.I804K), located in coding exon 23 of the PIGN gene, results from an in-frame deletion of TA and insertion of AG at nucleotide positions 2411 to 2412. This results in the substitution of the isoleucine residue for a lysine residue at codon 804, an amino acid with dissimilar properties. This amino acid position is highly conserved in available vertebrate species. This variant was identified in an individual with multiple congenital anomalies hypotonia seizures syndrome (MCAHS1)/PIGN-related epilepsy with another PIGN confirmed in trans (Fleming L et al. Am. J. Med. Genet. A, 2016 Jan;170A:77-86). Based on available evidence to date, the clinical significance of this alteration remains unclear.

Eurofins Ntd Llc (ga)
Classification: Uncertain significance. Last evaluated: 2017-07-14. Review status: criteria provided, single submitter. Criteria: EGL Classification Definitions 2015. Collection method: clinical testing. Allele origin: germline. Observed: 1 variant allele, 1 heterozygote.

Literature cited by the submitters: PubMed 26394714 (cited by Athena Diagnostics and Ambry Genetics).